The following is an entry in ClinVar:

ClinVar aggregate classification (germline): Uncertain significance. Review status: criteria provided, multiple submitters, no conflicts (2 of 4 stars). 2 submissions from 2 submitters: Uncertain significance (2). Last evaluated 2025-08-27.

gnomAD v4.1: 5 of 1,614,074 alleles (0.00031%); highest among the groups gnomAD compares: East Asian, 0.0022%; no homozygotes.

Submissions (2):

Labcorp Genetics (formerly Invitae), Labcorp
Classification: Uncertain significance. Last evaluated: 2025-08-27. Review status: criteria provided, single submitter. Criteria: Invitae Variant Classification Sherloc (09022015). Collection method: clinical testing. Allele origin: germline.
Comment: This sequence change replaces proline, which is neutral and non-polar, with leucine, which is neutral and non-polar, at codon 254 of the FLNB protein (p.Pro254Leu). This variant is not present in population databases (gnomAD no frequency). This variant has not been reported in the literature in individuals affected with FLNB-related conditions. ClinVar contains an entry for this variant (Variation ID: 3719200). Invitae Evidence Modeling of protein sequence and biophysical properties (such as structural, functional, and spatial information, amino acid conservation, physicochemical variation, residue mobility, and thermodynamic stability) indicates that this missense variant is not expected to disrupt FLNB protein function with a negative predictive value of 80%. In summary, the available evidence is currently insufficient to determine the role of this variant in disease. Therefore, it has been classified as a Variant of Uncertain Significance.

Blueprint Genetics
Classification: Uncertain significance. Last evaluated: 2022-07-08. Review status: criteria provided, single submitter. Criteria: ACMG Guidelines, 2015. Collection method: clinical testing. Allele origin: germline.

NM_001457.4(FLNB):c.761C>T (p.Pro254Leu)

Gene: FLNB (filamin B; plus strand). Cytogenetic location: 3p14.3.
Variant type: single nucleotide variant.
Coding change: c.761C>T on transcript NM_001457.4 (MANE Select); coding-DNA position 761, C replaced by T.
Protein change: p.Pro254Leu; replaces proline 254 with leucine.
Molecular consequence: missense variant.
Genome position (GRCh38, 1-based): chr3:58,081,750, C>T. VCF-style: chr3-58081750-C-T. GRCh37 (hg19) VCF-style: chr3-58067477-C-T.
Other names: c.761C>T, p.Pro254Leu (NM_001164317.2, NM_001164318.2, NM_001164319.2); short protein forms P254L.
Identifiers: ClinVar variation 3719200 (VCV003719200.3).
Genomic context (GRCh38, chr3:58,081,750, plus strand): 5'-TGTCCCAGTTCCCCAAAGCCAAGCTCAAGCCGGGGGCTCCTCTCAAACCCAAACTCAACC[C>T]GAAGAAAGCCAGGGCCTATGGCAGAGGTGAGTGCTGGTCCTCTGGTGTTGTATTGGAGAC-3'
Protein context (NP_001448.2, residues 244-264): PGAPLKPKLN[Pro254Leu]KKARAYGRGI